The following is an entry in ClinVar:

NM_207361.6(FREM2):c.6465T>C (p.Asp2155=)

Gene: FREM2 (FRAS1 related extracellular matrix 2; plus strand). Cytogenetic location: 13q13.3.
Variant type: single nucleotide variant.
Coding change: c.6465T>C on transcript NM_207361.6 (MANE Select); coding-DNA position 6465, T replaced by C.
Protein change: p.Asp2155=; no amino-acid change (aspartic acid 2155 retained).
Molecular consequence: synonymous variant.
Genome position (GRCh38, 1-based): chr13:38,850,123, T>C. VCF-style: chr13-38850123-T-C. GRCh37 (hg19) VCF-style: chr13-39424260-T-C.
Identifiers: ClinVar variation 703331 (VCV000703331.36), dbSNP rs373878188, ClinGen allele CA6955574.
Genomic context (GRCh38, chr13:38,850,123, plus strand): 5'-AATATATACTGGCAGCGAAAGTGATGGGCAGATAGTTACAATGATCCATAGGACTGGGGA[T>C]GTCCAGTACAGATCTTCAGTGAGATGCTACACCCGGCAGGGGTCTGCACAGGTGATGATG-3'
Protein context (NP_997244.4, residues 2145-2165): QIVTMIHRTG[Asp2155=]VQYRSSVRCY

ClinVar aggregate classification (germline): Likely benign. Review status: criteria provided, multiple submitters, no conflicts (2 of 4 stars). 4 submissions from 4 submitters: Likely benign (4). Last evaluated 2025-10-22.

Conditions:
Fraser syndrome 2 (FRASRS2). Identifiers: MedGen C4540036, MONDO:0054738, OMIM 617666.
Isolated cryptophthalmia. Also called: Cryptophthalmos, unilateral or bilateral, isolated; ANKYLOBLEPHARON, SIMPLE. Identifiers: Orphanet 91396, MedGen C1852453, MONDO:0007410, OMIM 123570.

Allele frequency attached by ClinVar (database versions not stated): TOPMed 0.00008; ExAC 0.00012; gnomAD 0.00005; gnomAD exomes 0.00007 and 0.00014; ESP Exome Variant Server 0.00008.
gnomAD v4.1: 118 of 1,613,862 alleles (0.0073%); highest among the groups gnomAD compares: Middle Eastern, 0.082%; 1 homozygote.

Submissions (4):

Labcorp Genetics (formerly Invitae), Labcorp
Classification: Likely benign. Last evaluated: 2025-10-22. Review status: criteria provided, single submitter. Criteria: Invitae Variant Classification Sherloc (09022015). Collection method: clinical testing. Allele origin: germline.

CeGaT Center for Human Genetics Tuebingen
Classification: Likely benign. Last evaluated: 2023-10-01. Review status: criteria provided, single submitter. Criteria: CeGaT Center For Human Genetics Tuebingen Variant Classification Criteria Version 2. Collection method: clinical testing. Allele origin: germline. Affected: yes. Observed: 1 variant allele.
Comment: FREM2: BP4, BP7

Fulgent Genetics
Classification: Likely benign for Isolated cryptophthalmia; Fraser syndrome 2. Last evaluated: 2021-08-26. Review status: criteria provided, single submitter. Criteria: ACMG Guidelines, 2015. Collection method: clinical testing. Allele origin: unknown.

Breakthrough Genomics
Classification: Likely benign. Review status: criteria provided, single submitter. Criteria: ACMG Guidelines, 2015. Collection method: not provided. Allele origin: germline. Inheritance: Autosomal recessive inheritance. Affected: yes.